The following is an entry in ClinVar:

ClinVar aggregate classification (germline): Likely benign (1 of 4 stars; one submission).

Submission:

CeGaT Center for Human Genetics Tuebingen
Classification: Likely benign. Last evaluated: 2024-08-01. Review status: criteria provided, single submitter. Criteria: CeGaT Center For Human Genetics Tuebingen Variant Classification Criteria Version 2. Collection method: clinical testing. Allele origin: germline. Affected: yes. Observed: 1 variant allele.
Comment: SIX2: PM2:Supporting, BP4, BP7

NM_016932.5(SIX2):c.255G>A (p.Gln85=)

Gene: SIX2 (SIX homeobox 2; minus strand). Cytogenetic location: 2p21.
Variant type: single nucleotide variant.
Coding change: c.255G>A on transcript NM_016932.5 (MANE Select); coding-DNA position 255, G replaced by A.
Protein change: p.Gln85=; no amino-acid change (glutamine 85 retained).
Molecular consequence: synonymous variant.
Genome position (GRCh38, 1-based): chr2:45,008,856, C>T on the plus strand (G>A on the coding strand, the complement: SIX2 is on the minus strand). VCF-style: chr2-45008856-C-T. GRCh37 (hg19) VCF-style: chr2-45235995-C-T.
Identifiers: ClinVar variation 3341912 (VCV003341912.16).